The following is an entry in ClinVar:

NM_001376.5(DYNC1H1):c.4074G>A (p.Lys1358=)

Gene: DYNC1H1 (dynein cytoplasmic 1 heavy chain 1; plus strand). Cytogenetic location: 14q32.31.
Variant type: single nucleotide variant.
Coding change: c.4074G>A on transcript NM_001376.5 (MANE Select); coding-DNA position 4074, G replaced by A.
Protein change: p.Lys1358=; no amino-acid change (lysine 1358 retained).
Molecular consequence: synonymous variant.
Genome position (GRCh38, 1-based): chr14:102,000,399, G>A. VCF-style: chr14-102000399-G-A. GRCh37 (hg19) VCF-style: chr14-102466736-G-A.
Identifiers: ClinVar variation 1029329 (VCV001029329.1), dbSNP rs2048116032, ClinGen allele CA487969060.

ClinVar aggregate classification (germline): Uncertain significance (1 of 4 stars; one submission).

Conditions:
Cortical dysplasia, complex, with other brain malformations 13. Also called: Intellectual disability, autosomal dominant 13. Identifiers: MedGen C3281202, MONDO:0013805, OMIM 614563.

Submission:

Baylor Genetics
Classification: Uncertain significance for Cortical dysplasia, complex, with other brain malformations 13. Last evaluated: 2020-08-05. Review status: criteria provided, single submitter. Criteria: ACMG Guidelines, 2015. Collection method: clinical testing. Allele origin: unknown. Affected: yes.
Comment: This variant was determined to be of uncertain significance according to ACMG Guidelines, 2015 [PMID:25741868].